The following is an entry in ClinVar:

ClinVar aggregate classification (germline): Uncertain significance (1 of 4 stars; one submission).

gnomAD v4.1: 13 of 1,610,984 alleles (0.00081%); highest among the groups gnomAD compares: Non-Finnish European, 0.0011%; no homozygotes.

Submission:

Labcorp Genetics (formerly Invitae), Labcorp
Classification: Uncertain significance. Last evaluated: 2025-07-21. Review status: criteria provided, single submitter. Criteria: Invitae Variant Classification Sherloc (09022015). Collection method: clinical testing. Allele origin: germline.
Comment: This sequence change replaces valine, which is neutral and non-polar, with isoleucine, which is neutral and non-polar, at codon 1276 of the CACNA1D protein (p.Val1276Ile). This variant is not present in population databases (gnomAD no frequency). This variant has not been reported in the literature in individuals affected with CACNA1D-related conditions. An algorithm developed to predict the effect of missense changes on protein structure and function (PolyPhen-2) suggests that this variant is likely to be tolerated. In summary, the available evidence is currently insufficient to determine the role of this variant in disease. Therefore, it has been classified as a Variant of Uncertain Significance.

NM_001128840.3(CACNA1D):c.3766G>A (p.Val1256Ile)

Gene: CACNA1D (calcium voltage-gated channel subunit alpha1 D; plus strand). Cytogenetic location: 3p21.1.
Variant type: single nucleotide variant.
Coding change: c.3766G>A on transcript NM_001128840.3 (MANE Select); coding-DNA position 3766, G replaced by A.
Protein change: p.Val1256Ile; replaces valine 1256 with isoleucine.
Molecular consequence: missense variant.
Genome position (GRCh38, 1-based): chr3:53,753,662, G>A. VCF-style: chr3-53753662-G-A. GRCh37 (hg19) VCF-style: chr3-53787689-G-A.
Other names: c.3826G>A, p.Val1276Ile (NM_000720.4); c.3766G>A, p.Val1256Ile (NM_001128839.3); short protein forms V1256I, V1276I.
Identifiers: ClinVar variation 4798200 (VCV004798200.1).
Genomic context (GRCh38, chr3:53,753,662, plus strand): 5'-GCCATGGACATTCTGAACATGGTCTTCACCGGGGTGTTCACCGTCGAGATGGTTTTGAAA[G>A]TCATCGCATTTAAGCCTAAGGTGAGTTGCAGAACCCACTTTTCAAAGGTTGTTGCTGAGT-3'
Protein context (NP_001122312.1, residues 1246-1266): GVFTVEMVLK[Val1256Ile]IAFKPKGYFS